The following is an entry in ClinVar:

ClinVar aggregate classification (germline): Uncertain significance. Review status: criteria provided, multiple submitters, no conflicts (2 of 4 stars). 2 submissions from 2 submitters: Uncertain significance (2). Last evaluated 2025-08-15.

Allele frequency attached by ClinVar (database versions not stated): gnomAD exomes below 0.00001.
gnomAD v4.1: 1 of 1,613,642 alleles (0.000062%); highest among the groups gnomAD compares: Non-Finnish European, 0.000085%; no homozygotes.

Submissions (2):

Labcorp Genetics (formerly Invitae), Labcorp
Classification: Uncertain significance. Last evaluated: 2025-08-15. Review status: criteria provided, single submitter. Criteria: Invitae Variant Classification Sherloc (09022015). Collection method: clinical testing. Allele origin: germline.
Comment: This sequence change replaces valine, which is neutral and non-polar, with alanine, which is neutral and non-polar, at codon 888 of the BUB1 protein (p.Val888Ala). This variant is not present in population databases (gnomAD no frequency). This variant has not been reported in the literature in individuals affected with BUB1-related conditions. ClinVar contains an entry for this variant (Variation ID: 2565816). An algorithm developed to predict the effect of missense changes on protein structure and function outputs the following: PolyPhen-2: "Not Available". The alanine amino acid residue is found in multiple mammalian species, which suggests that this missense change does not adversely affect protein function. In summary, the available evidence is currently insufficient to determine the role of this variant in disease. Therefore, it has been classified as a Variant of Uncertain Significance.

Ambry Genetics
Classification: Uncertain significance. Last evaluated: 2023-05-26. Review status: criteria provided, single submitter. Criteria: Ambry Variant Classification Scheme 2023. Collection method: clinical testing. Allele origin: germline.
Comment: The p.V888A variant (also known as c.2663T>C), located in coding exon 22 of the BUB1 gene, results from a T to C substitution at nucleotide position 2663. The valine at codon 888 is replaced by alanine, an amino acid with similar properties. This amino acid position is conserved. In addition, this alteration is predicted to be tolerated by in silico analysis. Since supporting evidence is limited at this time, the clinical significance of this alteration remains unclear.

NM_004336.5(BUB1):c.2663T>C (p.Val888Ala)

Gene: BUB1 (BUB1 mitotic checkpoint serine/threonine kinase; minus strand). Cytogenetic location: 2q13.
Variant type: single nucleotide variant.
Coding change: c.2663T>C on transcript NM_004336.5 (MANE Select); coding-DNA position 2663, T replaced by C.
Protein change: p.Val888Ala; replaces valine 888 with alanine.
Molecular consequence: missense variant. On other transcripts: intron variant (1).
Genome position (GRCh38, 1-based): chr2:110,641,427, A>G on the plus strand (T>C on the coding strand, the complement: BUB1 is on the minus strand). VCF-style: chr2-110641427-A-G. GRCh37 (hg19) VCF-style: chr2-111399004-A-G.
Other names: c.2603T>C, p.Val868Ala (NM_001278616.2); c.2625+215T>C (NM_001278617.2); short protein forms V868A, V888A.
Identifiers: ClinVar variation 2565816 (VCV002565816.3), dbSNP rs2467971236, ClinGen allele CA348089886.
Genomic context (GRCh38, chr2:110,641,427, plus strand): 5'-ACTTGCTCAATCATGTAAAGCATTCTCATAGCAAAAGAGATGACAAGACCTTGAGGCATC[A>G]CTTTTTCAGGGGTATTTTTATAGAGGTTAATGGCATTCTAGGAACAATGGAAAGTGGAAT-3'
Protein context (NP_004327.1, residues 878-898): INLYKNTPEK[Val888Ala]MPQGLVISFA